The following is an entry in ClinVar:

ClinVar aggregate classification (germline): Uncertain significance (1 of 4 stars; one submission).

Conditions:
UTP4-related disorder. Also called: UTP4-related condition.

gnomAD v4.1: 24 of 1,614,228 alleles (0.0015%); highest among the groups gnomAD compares: Non-Finnish European, 0.002%; no homozygotes.

Submission:

PreventionGenetics, part of Exact Sciences
Classification: Uncertain significance for UTP4-related condition. Last evaluated: 2025-03-20. Review status: criteria provided, single submitter. Criteria: ACMG Guidelines, 2015. Collection method: clinical testing. Allele origin: germline.
Comment: The UTP4 c.1373A>G variant is predicted to result in the amino acid substitution p.Gln458Arg. To our knowledge, this variant has not been reported in the literature. This variant is reported in 0.0018% of alleles in individuals of European (Non-Finnish) descent in gnomAD. At this time, the clinical significance of this variant is uncertain due to the absence of conclusive functional and genetic evidence.

NM_032830.3(UTP4):c.1373A>G (p.Gln458Arg)

Gene: UTP4 (UTP4 small subunit processome component). Cytogenetic location: 16q22.1.
Variant type: single nucleotide variant.
Coding change: c.1373A>G on transcript NM_032830.3 (MANE Select); coding-DNA position 1373, A replaced by G.
Protein change: p.Gln458Arg; replaces glutamine 458 with arginine.
Molecular consequence: missense variant.
Genome position (GRCh38, 1-based): chr16:69,157,169, A>G. VCF-style: chr16-69157169-A-G. GRCh37 (hg19) VCF-style: chr16-69191072-A-G.
Other names: c.1124A>G, p.Gln375Arg (NM_001318391.2); short protein forms Q375R, Q458R.
Identifiers: ClinVar variation 4996816 (VCV004996816.1).